The following is an entry in ClinVar:

NM_032737.4(LMNB2):c.40A>G (p.Arg14Gly)

Genes: LMNB2 (lamin B2; minus strand), LOC130063066 (ATAC-STARR-seq lymphoblastoid silent region 9792; plus strand). Cytogenetic location: 19p13.3.
Variant type: single nucleotide variant.
Coding change: c.40A>G on transcript NM_032737.4 (MANE Select); coding-DNA position 40, A replaced by G.
Protein change: p.Arg14Gly; replaces arginine 14 with glycine.
Molecular consequence: missense variant.
Genome position (GRCh38, 1-based): chr19:2,456,894, T>C on the plus strand (A>G on the coding strand, the complement: LMNB2 is on the minus strand). VCF-style: chr19-2456894-T-C. GRCh37 (hg19) VCF-style: chr19-2456892-T-C.
Other names: short protein forms R14G.
Identifiers: ClinVar variation 2928648 (VCV002928648.3), dbSNP rs1312287823, ClinGen allele CA403260177.
Genomic context (GRCh38, chr19:2,456,894, plus strand): 5'-TGGCGGGCCCGCCCGCGCGGCCGGGCAGCGGCGTGGCCATGGTGGCGGCGGCTCGCGGCC[T>C]GCGCTGCTCCCGACGGCGGCCCGGGCTCGGCGGGCTCATTCAATCCGCGCCGCCGGCTGC-3'
Protein context (NP_116126.3, residues 4-24): PSPGRRREQR[Arg14Gly]PRAAATMATP

ClinVar aggregate classification (germline): Uncertain significance (1 of 4 stars; one submission).

Conditions:
Progressive myoclonic epilepsy type 9. Identifiers: Orphanet 457265, MedGen C4225289, MONDO:0014685, OMIM 616540.
Lipodystrophy, partial, acquired, susceptibility to (APLD). Also called: APLD, SUSCEPTIBILITY TO. Identifiers: MedGen C3887501, MONDO:0100476, OMIM 608709.

Allele frequency attached by ClinVar (database versions not stated): gnomAD 0.00001.
gnomAD v4.1: 7 of 1,039,146 alleles (0.00067%); highest among the groups gnomAD compares: Non-Finnish European, 0.00058%; no homozygotes.

Submission:

Labcorp Genetics (formerly Invitae), Labcorp
Classification: Uncertain significance for Progressive myoclonic epilepsy type 9; Lipodystrophy, partial, acquired, susceptibility to. Last evaluated: 2023-04-06. Review status: criteria provided, single submitter. Criteria: Invitae Variant Classification Sherloc (09022015). Collection method: clinical testing. Allele origin: germline.
Comment: This sequence change replaces arginine, which is basic and polar, with glycine, which is neutral and non-polar, at codon 14 of the LMNB2 protein (p.Arg14Gly). The frequency data for this variant in the population databases is considered unreliable, as metrics indicate insufficient coverage at this position in the gnomAD database. This variant has not been reported in the literature in individuals affected with LMNB2-related conditions. Algorithms developed to predict the effect of missense changes on protein structure and function output the following: SIFT: "Not Available"; PolyPhen-2: "Not Available"; Align-GVGD: "Not Available". The glycine amino acid residue is found in multiple mammalian species, which suggests that this missense change does not adversely affect protein function. In summary, the available evidence is currently insufficient to determine the role of this variant in disease. Therefore, it has been classified as a Variant of Uncertain Significance.